The following is an entry in ClinVar:

NM_000709.4(BCKDHA):c.1167+177T>C

Gene: BCKDHA (branched chain keto acid dehydrogenase E1 subunit alpha; plus strand). Cytogenetic location: 19q13.2.
Variant type: single nucleotide variant.
Coding change: c.1167+177T>C on transcript NM_000709.4 (MANE Select); 177 bases into the intron after coding-DNA position 1167, T replaced by C.
Molecular consequence: intron variant.
Genome position (GRCh38, 1-based): chr19:41,423,346, T>C. VCF-style: chr19-41423346-T-C. GRCh37 (hg19) VCF-style: chr19-41929251-T-C.
Other names: c.1164+177T>C (NM_001164783.2).
Identifiers: ClinVar variation 680491 (VCV000680491.1), dbSNP rs284656, ClinGen allele CA15940719.
Genomic context (GRCh38, chr19:41,423,346, plus strand): 5'-ATGTGGCCTGTGGAGCCAGGCTGCTGGGGCCATGTGTGTCCTGGCTCTGTGTCCTTGGCA[T>C]GTTGCCCTCCACTTCCTTGTCTTTGAAAGGGGATGCTGGTGGTGCCCATTTCAGAAACTG-3'

ClinVar aggregate classification (germline): Benign (1 of 4 stars; one submission).

Allele frequency attached by ClinVar (database versions not stated): 1000 Genomes Project 0.61861; 1000 Genomes Project 30x 0.62352; gnomAD 0.65790 and 0.66699; TOPMed 0.65865.
gnomAD v4.1: 100,162 of 152,148 alleles (66%); highest among the groups gnomAD compares: African/African-American, 83%; 34,089 homozygotes.

Submission:

GeneDx
Classification: Benign. Last evaluated: 2018-06-14. Review status: criteria provided, single submitter. Criteria: GeneDx Variant Classification (06012015). Collection method: clinical testing. Allele origin: germline. Affected: yes.
Comment: This variant is considered likely benign or benign based on one or more of the following criteria: it is a conservative change, it occurs at a poorly conserved position in the protein, it is predicted to be benign by multiple in silico algorithms, and/or has population frequency not consistent with disease.